The following is an entry in ClinVar:

ClinVar aggregate classification (germline): Uncertain significance (1 of 4 stars; one submission).

Conditions:
Familial cancer of breast. Also called: hereditary breast carcinoma; Hereditary breast cancer; BREAST CANCER, FAMILIAL. Identifiers: Orphanet 227535, MedGen C0346153, MONDO:0016419, OMIM 114480. Disease mechanism: loss of function.

Submission:

Labcorp Genetics (formerly Invitae), Labcorp
Classification: Uncertain significance for Familial cancer of breast. Last evaluated: 2023-02-14. Review status: criteria provided, single submitter. Criteria: Invitae Variant Classification Sherloc (09022015). Collection method: clinical testing. Allele origin: germline.
Comment: This sequence change replaces valine, which is neutral and non-polar, with phenylalanine, which is neutral and non-polar, at codon 455 of the CHEK2 protein (p.Val455Phe). This variant is not present in population databases (gnomAD no frequency). This variant has not been reported in the literature in individuals affected with CHEK2-related conditions. ClinVar contains an entry for this variant (Variation ID: 848080). Algorithms developed to predict the effect of missense changes on protein structure and function are either unavailable or do not agree on the potential impact of this missense change (SIFT: "Deleterious"; PolyPhen-2: "Probably Damaging"; Align-GVGD: "Class C0"). In summary, the available evidence is currently insufficient to determine the role of this variant in disease. Therefore, it has been classified as a Variant of Uncertain Significance.

NM_007194.4(CHEK2):c.1363G>T (p.Val455Phe)

Gene: CHEK2 (checkpoint kinase 2; minus strand). Cytogenetic location: 22q12.1.
Variant type: single nucleotide variant.
Coding change: c.1363G>T on transcript NM_007194.4 (MANE Select); coding-DNA position 1363, G replaced by T.
Protein change: p.Val455Phe; replaces valine 455 with phenylalanine.
Molecular consequence: missense variant.
Genome position (GRCh38, 1-based): chr22:28,695,139, C>A on the plus strand (G>T on the coding strand, the complement: CHEK2 is on the minus strand). VCF-style: chr22-28695139-C-A. GRCh37 (hg19) VCF-style: chr22-29091127-C-A.
Other names: c.1492G>T, p.Val498Phe (NM_001005735.3); c.700G>T, p.Val234Phe (NM_001257387.3); c.1162G>T, p.Val388Phe (NM_001349956.3); c.1276G>T, p.Val426Phe (NM_145862.3); short protein forms V234F, V388F, V426F, V498F, V455F.
Identifiers: ClinVar variation 848080 (VCV000848080.10), dbSNP rs2052514206, ClinGen allele CA411095429.